The following is an entry in ClinVar:

ClinVar aggregate classification (germline): Conflicting classifications of pathogenicity. Review status: criteria provided, conflicting classifications (1 of 4 stars). 2 submissions from 2 submitters: Uncertain significance (1); Likely benign (1). Last evaluated 2023-09-10.

Conditions:
Nance-Horan syndrome (NHS). Identifiers: Orphanet 627, MedGen C0796085, MONDO:0010545, OMIM 302350.

Allele frequency attached by ClinVar (database versions not stated): gnomAD exomes below 0.00001 and 0.00001.
gnomAD v4.1: 1 of 1,210,541 alleles (0.000083%); highest among the groups gnomAD compares: Admixed American, 0.0022%; no homozygotes.

Submissions (3):

Labcorp Genetics (formerly Invitae), Labcorp
Classification: Likely benign for Nance-Horan syndrome. Last evaluated: 2023-09-10. Review status: criteria provided, single submitter. Criteria: Invitae Variant Classification Sherloc (09022015). Collection method: clinical testing. Allele origin: germline.

Baylor Genetics
Classification: Uncertain significance for Nance-Horan syndrome. Last evaluated: 2019-12-30. Review status: criteria provided, single submitter. Criteria: ACMG Guidelines, 2015. Collection method: clinical testing. Allele origin: unknown. Affected: yes.
Comment: This variant was determined to be of uncertain significance according to ACMG Guidelines, 2015 [PMID:25741868].

Dr. Peter K. Rogan Lab, Western University
No classification provided (evidence only). Condition: Nonpapillary renal cell carcinoma. Review status: no classification provided. Collection method: in vitro. Allele origin: not applicable. Functional consequence: retained intron. Not counted in ClinVar's aggregate classification.

NM_001291867.2(NHS):c.822G>A (p.Arg274=)

Gene: NHS (NHS actin remodeling regulator; plus strand). Cytogenetic location: Xp22.13.
Variant type: single nucleotide variant.
Coding change: c.822G>A on transcript NM_001291867.2 (MANE Select); coding-DNA position 822, G replaced by A.
Protein change: p.Arg274=; no amino-acid change (arginine 274 retained).
Molecular consequence: synonymous variant.
Genome position (GRCh38, 1-based): chrX:17,692,438, G>A. VCF-style: chrX-17692438-G-A. GRCh37 (hg19) VCF-style: chrX-17710558-G-A.
Other names: c.291G>A, p.Arg97= (NM_001136024.4, NM_001291868.2); c.822G>A, p.Arg274= (NM_198270.4).
Identifiers: ClinVar variation 1027922 (VCV001027922.7), dbSNP rs1192420369, ClinGen allele CA515466336.